The following is an entry in ClinVar:

Conditions:
Breast-ovarian cancer, familial, susceptibility to, 1 (BROVCA1). Also called: BRCA1 Hereditary Breast and Ovarian Cancer; OVARIAN CANCER, SUSCEPTIBILITY TO. Identifiers: Orphanet 145, MedGen C2676676, MONDO:0011450, OMIM 604370. Disease mechanism: loss of function.

Submission:

Brotman Baty Institute, University of Washington
No classification provided (evidence only). Condition: Breast-ovarian cancer, familial 1. Review status: no classification provided. Collection method: in vitro. Allele origin: not applicable. Functional consequence: functionally_normal.
ClinVar note: "not provided" was previously submitted as the classification for the variant. However, the classification appeared to be based only on an observation of functional data so it was converted to no classification on 2025-07-30.

NM_007294.4(BRCA1):c.5145C>T (p.Ser1715=)

Gene: BRCA1 (BRCA1 DNA repair associated; minus strand). Cytogenetic location: 17q21.31.
Variant type: single nucleotide variant.
Coding change: c.5145C>T on transcript NM_007294.4 (MANE Select); coding-DNA position 5145, C replaced by T.
Protein change: p.Ser1715=; no amino-acid change (serine 1715 retained).
Molecular consequence: synonymous variant. On other transcripts: intron variant (2).
Genome position (GRCh38, 1-based): chr17:43,063,881, G>A on the plus strand (C>T on the coding strand, the complement: BRCA1 is on the minus strand). VCF-style: chr17-43063881-G-A. GRCh37 (hg19) VCF-style: chr17-41215898-G-A.
Other names: c.4932C>T, p.Ser1644= (NM_001407571.1, NM_001407894.1, NM_001407895.1 and 12 more transcripts); c.5211C>T, p.Ser1737= (NM_001407581.1, NM_001407582.1); c.5208C>T, p.Ser1736= (NM_001407583.1, NM_001407585.1, NM_001407587.1 and 1 more transcripts); c.5205C>T, p.Ser1735= (NM_001407590.1, NM_001407591.1); c.5145C>T, p.Ser1715= (NM_001407593.1, NM_001407594.1, NM_001407596.1 and 7 more transcripts); c.5142C>T, p.Ser1714= (NM_001407610.1, NM_001407611.1, NM_001407612.1 and 17 more transcripts); c.5139C>T, p.Ser1713= (NM_001407627.1, NM_001407628.1, NM_001407629.1 and 14 more transcripts); c.5136C>T, p.Ser1712= (NM_001407644.1, NM_001407645.1); and 73 more.
Identifiers: ClinVar variation 867698 (VCV000867698.3), dbSNP rs80357094, ClinGen allele CA500146139.